The following is an entry in ClinVar:

ClinVar aggregate classification (germline): Uncertain significance (1 of 4 stars; one submission).

Submission:

Labcorp Genetics (formerly Invitae), Labcorp
Classification: Uncertain significance. Last evaluated: 2022-03-31. Review status: criteria provided, single submitter. Criteria: Invitae Variant Classification Sherloc (09022015). Collection method: clinical testing. Allele origin: germline.
Comment: Advanced modeling of protein sequence and biophysical properties (such as structural, functional, and spatial information, amino acid conservation, physicochemical variation, residue mobility, and thermodynamic stability) performed at Invitae indicates that this missense variant is not expected to disrupt LRP2 protein function. In summary, the available evidence is currently insufficient to determine the role of this variant in disease. Therefore, it has been classified as a Variant of Uncertain Significance. This variant has not been reported in the literature in individuals affected with LRP2-related conditions. This variant is not present in population databases (gnomAD no frequency). This sequence change replaces histidine, which is basic and polar, with glutamine, which is neutral and polar, at codon 1754 of the LRP2 protein (p.His1754Gln).

NM_004525.3(LRP2):c.5262T>A (p.His1754Gln)

Gene: LRP2 (LDL receptor related protein 2; minus strand). Cytogenetic location: 2q31.1.
Variant type: single nucleotide variant.
Coding change: c.5262T>A on transcript NM_004525.3 (MANE Select); coding-DNA position 5262, T replaced by A.
Protein change: p.His1754Gln; replaces histidine 1754 with glutamine.
Molecular consequence: missense variant.
Genome position (GRCh38, 1-based): chr2:169,226,554, A>T on the plus strand (T>A on the coding strand, the complement: LRP2 is on the minus strand). VCF-style: chr2-169226554-A-T. GRCh37 (hg19) VCF-style: chr2-170083064-A-T.
Other names: short protein forms H1754Q.
Identifiers: ClinVar variation 2119905 (VCV002119905.3), dbSNP rs1427832959, ClinGen allele CA349139642.
Genomic context (GRCh38, chr2:169,226,554, plus strand): 5'-TATGGGGACCATAGCATCATTGCTCTTCACCTCAGGATTAAGGGAGATTCCAAAAATTAT[A>T]TGTTGCCTTACAGTTATTAAGAAAGGTTGATCATCTGTGAAAATAGAAGAATATCAGTCA-3'
Protein context (NP_004516.2, residues 1744-1764): DQPFLITVRQ[His1754Gln]IIFGISLNPE